The following is an entry in ClinVar:

NM_001793.6(CDH3):c.2215A>T (p.Ile739Phe)

Gene: CDH3 (cadherin 3; plus strand). Cytogenetic location: 16q22.1.
Variant type: single nucleotide variant.
Coding change: c.2215A>T on transcript NM_001793.6 (MANE Select); coding-DNA position 2215, A replaced by T.
Protein change: p.Ile739Phe; replaces isoleucine 739 with phenylalanine.
Molecular consequence: missense variant.
Genome position (GRCh38, 1-based): chr16:68,695,858, A>T. VCF-style: chr16-68695858-A-T. GRCh37 (hg19) VCF-style: chr16-68729761-A-T.
Other names: c.2215A>T, p.Ile739Phe (NM_001317195.3); c.2050A>T, p.Ile684Phe (NM_001317196.2); short protein forms I684F, I739F.
Identifiers: ClinVar variation 1391819 (VCV001391819.6), dbSNP rs2152107134, ClinGen allele CA396456315.

ClinVar aggregate classification (germline): Uncertain significance (1 of 4 stars; one submission).

Submission:

Labcorp Genetics (formerly Invitae), Labcorp
Classification: Uncertain significance. Last evaluated: 2021-11-06. Review status: criteria provided, single submitter. Criteria: Invitae Variant Classification Sherloc (09022015). Collection method: clinical testing. Allele origin: germline.
Comment: This sequence change replaces isoleucine, which is neutral and non-polar, with phenylalanine, which is neutral and non-polar, at codon 739 of the CDH3 protein (p.Ile739Phe). This variant is not present in population databases (gnomAD no frequency). This variant has not been reported in the literature in individuals affected with CDH3-related conditions. Algorithms developed to predict the effect of missense changes on protein structure and function are either unavailable or do not agree on the potential impact of this missense change (SIFT: "Not Available"; PolyPhen-2: "Possibly Damaging"; Align-GVGD: "Not Available"). In summary, the available evidence is currently insufficient to determine the role of this variant in disease. Therefore, it has been classified as a Variant of Uncertain Significance.